The following is an entry in ClinVar:

NM_006950.3(SYN1):c.685-3T>C

Gene: SYN1 (synapsin I; minus strand). Cytogenetic location: Xp11.23.
Variant type: single nucleotide variant.
Coding change: c.685-3T>C on transcript NM_006950.3 (MANE Select); 3 bases into the intron before coding-DNA position 685, T replaced by C.
Molecular consequence: intron variant.
Genome position (GRCh38, 1-based): chrX:47,605,070, A>G on the plus strand (T>C on the coding strand, the complement: SYN1 is on the minus strand). VCF-style: chrX-47605070-A-G. GRCh37 (hg19) VCF-style: chrX-47464469-A-G.
Other names: c.685-3T>C (NM_133499.2).
Identifiers: ClinVar variation 970315 (VCV000970315.6), dbSNP rs2057892214, ClinGen allele CA1139667505.
Genomic context (GRCh38, chrX:47,605,070, plus strand): 5'-CAATTAGAGGGAATTCTTCTGTCCCCAGTTTCTTATGCAGTCGAACCATCTGGGCAAACT[A>G]TGAGAACCAGGAGAGCTGGGTCAGTGAGTCCTTCACCACGAATCTGTAAGTTTCTGAACA-3'

ClinVar aggregate classification (germline): Uncertain significance (1 of 4 stars; one submission).

Conditions:
Epilepsy, X-linked 1, with variable learning disabilities and behavior disorders. Also called: X-linked epilepsy-learning disabilities-behavior disorders syndrome. Identifiers: Orphanet 85294, MedGen C5774177, MONDO:0010339, OMIM 300491.

Submission:

Labcorp Genetics (formerly Invitae), Labcorp
Classification: Uncertain significance for Epilepsy, X-linked 1, with variable learning disabilities and behavior disorders. Last evaluated: 2021-09-01. Review status: criteria provided, single submitter. Criteria: Invitae Variant Classification Sherloc (09022015). Collection method: clinical testing. Allele origin: germline.
Comment: This sequence change falls in intron 4 of the SYN1 gene. It does not directly change the encoded amino acid sequence of the SYN1 protein. It affects a nucleotide within the consensus splice site of the intron. This variant is not present in population databases (ExAC no frequency). This variant has not been reported in the literature in individuals affected with SYN1-related conditions. Variants that disrupt the consensus splice site are a relatively common cause of aberrant splicing (PMID: 17576681, 9536098). Algorithms developed to predict the effect of sequence changes on RNA splicing suggest that this variant is not likely to affect RNA splicing. In summary, the available evidence is currently insufficient to determine the role of this variant in disease. Therefore, it has been classified as a Variant of Uncertain Significance.

Literature cited by the submitters: PubMed 17576681; PubMed 9536098.